The following is an entry in ClinVar:

ClinVar aggregate classification (germline): Uncertain significance (1 of 4 stars; one submission).

Allele frequency attached by ClinVar (database versions not stated): ESP Exome Variant Server 0.00008; gnomAD 0.00011; TOPMed 0.00012; ExAC 0.00013; gnomAD exomes 0.00044.
gnomAD v4.1: 643 of 1,613,962 alleles (0.04%); highest among the groups gnomAD compares: Non-Finnish European, 0.053%; no homozygotes.

Submission:

Labcorp Genetics (formerly Invitae), Labcorp
Classification: Uncertain significance. Last evaluated: 2023-08-27. Review status: criteria provided, single submitter. Criteria: Invitae Variant Classification Sherloc (09022015). Collection method: clinical testing. Allele origin: germline.
Comment: This sequence change replaces valine, which is neutral and non-polar, with isoleucine, which is neutral and non-polar, at codon 697 of the PDE8B protein (p.Val697Ile). This variant is present in population databases (rs376318658, gnomAD 0.03%). This missense change has been observed in individual(s) with adrenocortical adenoma (PMID: 22335482). An algorithm developed to predict the effect of missense changes on protein structure and function (PolyPhen-2) suggests that this variant is likely to be tolerated. Experimental studies have shown that this missense change does not substantially affect PDE8B function (PMID: 22335482). In summary, the available evidence is currently insufficient to determine the role of this variant in disease. Therefore, it has been classified as a Variant of Uncertain Significance.

Literature cited by the submitters: PubMed 22335482.

NM_003719.5(PDE8B):c.2089G>A (p.Val697Ile)

Gene: PDE8B (phosphodiesterase 8B; plus strand). Cytogenetic location: 5q13.3.
Variant type: single nucleotide variant.
Coding change: c.2089G>A on transcript NM_003719.5 (MANE Select); coding-DNA position 2089, G replaced by A.
Protein change: p.Val697Ile; replaces valine 697 with isoleucine.
Molecular consequence: missense variant.
Genome position (GRCh38, 1-based): chr5:77,418,406, G>A. VCF-style: chr5-77418406-G-A. GRCh37 (hg19) VCF-style: chr5-76714231-G-A.
Other names: c.1924G>A, p.Val642Ile (NM_001029852.4); c.2029G>A, p.Val677Ile (NM_001029853.4); c.1948G>A, p.Val650Ile (NM_001029854.4); c.2086G>A, p.Val696Ile (NM_001349748.3, NM_001349751.3); c.2152G>A, p.Val718Ile (NM_001349749.3); c.1849G>A, p.Val617Ile (NM_001349750.3); c.1783G>A, p.Val595Ile (NM_001349752.3); c.1717G>A, p.Val573Ile (NM_001349753.2, NM_001414622.1, NM_001414623.1 and 2 more transcripts); and 12 more; short protein forms V573I, V647I, V650I, V677I, V694I, V479I, V499I, V548I.
Identifiers: ClinVar variation 2711883 (VCV002711883.3), dbSNP rs376318658, ClinGen allele CA3315409.
Genomic context (GRCh38, chr5:77,418,406, plus strand): 5'-CTCTACAATGACACTGCTGTTCTGGAGAGTCACCACACCGCCCTGGCCTTCCAGCTCACG[G>A]TCAAGGACACCAAATGCAACATTTTCAAGAATATTGACAGGTTTGTTGTGCTGGGGCTCC-3'
Protein context (NP_003710.1, residues 687-707): HHTALAFQLT[Val697Ile]KDTKCNIFKN